The following is an entry in ClinVar:

NM_001042432.2(CLN3):c.791-6C>T

Gene: CLN3 (CLN3 lysosomal/endosomal transmembrane protein, battenin; minus strand). Cytogenetic location: 16p12.1.
Variant type: single nucleotide variant.
Coding change: c.791-6C>T on transcript NM_001042432.2 (MANE Select); 6 bases into the intron before coding-DNA position 791, C replaced by T.
Molecular consequence: intron variant.
Genome position (GRCh38, 1-based): chr16:28,482,678, G>A on the plus strand (C>T on the coding strand, the complement: CLN3 is on the minus strand). VCF-style: chr16-28482678-G-A. GRCh37 (hg19) VCF-style: chr16-28493999-G-A.
Other names: c.557-6C>T (NM_001286109.2); c.719-6C>T (NM_001286104.2); c.491-6C>T (NM_001286105.2); c.629-6C>T (NM_001286110.2); c.791-6C>T (NM_000086.2).
Identifiers: ClinVar variation 389423 (VCV000389423.1), dbSNP rs1057523421, ClinGen allele CA16608166.

ClinVar aggregate classification (germline): Likely benign (1 of 4 stars; one submission).

Submission:

GeneDx
Classification: Likely benign. Last evaluated: 2016-09-23. Review status: criteria provided, single submitter. Criteria: GeneDx Variant Classification (06012015). Collection method: clinical testing. Allele origin: germline. Affected: yes.
Comment: This variant is considered likely benign or benign based on one or more of the following criteria: it is a conservative change, it occurs at a poorly conserved position in the protein, it is predicted to be benign by multiple in silico algorithms, and/or has population frequency not consistent with disease.